The following is an entry in ClinVar:

ClinVar aggregate classification (germline): Pathogenic (1 of 4 stars; one submission).

Submission:

Labcorp Genetics (formerly Invitae), Labcorp
Classification: Pathogenic. Last evaluated: 2023-05-22. Review status: criteria provided, single submitter. Criteria: Invitae Variant Classification Sherloc (09022015). Collection method: clinical testing. Allele origin: germline.
Comment: This variant is a gross deletion of the genomic region encompassing exon(s) 6-7 of the NSMCE2 gene. While this deletion is not anticipated to lead to nonsense mediated decay, it is expected to disrupt the C-terminus of the protein. This variant has not been reported in the literature in individuals affected with NSMCE2-related conditions. This variant disrupts a region of the NSMCE2 protein in which other variant(s) (p.Ala234Glufs*4) have been determined to be pathogenic (PMID: 25105364). This suggests that this is a clinically significant region of the protein, and that variants that disrupt it are likely to be disease-causing. For these reasons, this variant has been classified as Pathogenic.

Literature cited by the submitters: PubMed 25105364.

NC_000008.10:g.(?_126369441)_(126370080_?)del

Gene: NSMCE2 (NSE2 (MMS21) homolog, SMC5-SMC6 complex SUMO ligase; plus strand). Cytogenetic location: 8q24.13.
Variant type: Deletion.
Identifiers: ClinVar variation 2427512 (VCV002427512.4).